The following is an entry in ClinVar:

NM_006269.2(RP1):c.424G>A (p.Val142Ile)

Gene: RP1 (RP1 axonemal microtubule associated; plus strand). Cytogenetic location: 8q12.1.
Variant type: single nucleotide variant.
Coding change: c.424G>A on transcript NM_006269.2 (MANE Select); coding-DNA position 424, G replaced by A.
Protein change: p.Val142Ile; replaces valine 142 with isoleucine.
Molecular consequence: missense variant.
Genome position (GRCh38, 1-based): chr8:54,621,390, G>A. VCF-style: chr8-54621390-G-A. GRCh37 (hg19) VCF-style: chr8-55533950-G-A.
Other names: c.424G>A, p.Val142Ile (NM_001375654.1); short protein forms V142I.
Identifiers: ClinVar variation 2014319 (VCV002014319.5), dbSNP rs367600337, ClinGen allele CA4751158.

ClinVar aggregate classification (germline): Uncertain significance. Review status: criteria provided, multiple submitters, no conflicts (2 of 4 stars). 2 submissions from 2 submitters: Uncertain significance (2). Last evaluated 2025-01-16.

Conditions:
Retinal dystrophy. Also called: Inherited retinal dystrophy. Identifiers: Orphanet 71862, MedGen C0854723, MeSH D058499, MONDO:0019118, HP:0000556.

gnomAD v4.1: 24 of 1,612,122 alleles (0.0015%); highest among the groups gnomAD compares: East Asian, 0.042%; no homozygotes.

Submissions (2):

Labcorp Genetics (formerly Invitae), Labcorp
Classification: Uncertain significance. Last evaluated: 2025-01-16. Review status: criteria provided, single submitter. Criteria: Invitae Variant Classification Sherloc (09022015). Collection method: clinical testing. Allele origin: germline.
Comment: This sequence change replaces valine, which is neutral and non-polar, with isoleucine, which is neutral and non-polar, at codon 142 of the RP1 protein (p.Val142Ile). This variant is present in population databases (rs367600337, gnomAD 0.03%). This variant has not been reported in the literature in individuals affected with RP1-related conditions. ClinVar contains an entry for this variant (Variation ID: 2014319). An algorithm developed to predict the effect of missense changes on protein structure and function (PolyPhen-2) suggests that this variant is likely to be tolerated. In summary, the available evidence is currently insufficient to determine the role of this variant in disease. Therefore, it has been classified as a Variant of Uncertain Significance.

Dept Of Ophthalmology, Nagoya University
Classification: Uncertain significance for Retinal dystrophy. Last evaluated: 2023-10-01. Review status: criteria provided, single submitter. Criteria: Submitter's publication. Collection method: research. Allele origin: germline. Affected: yes.